The following is an entry in ClinVar:

NM_005633.4(SOS1):c.543A>C (p.Glu181Asp)

Gene: SOS1 (SOS Ras/Rac guanine nucleotide exchange factor 1; minus strand). Cytogenetic location: 2p22.1.
Variant type: single nucleotide variant.
Coding change: c.543A>C on transcript NM_005633.4 (MANE Select); coding-DNA position 543, A replaced by C.
Protein change: p.Glu181Asp; replaces glutamic acid 181 with aspartic acid.
Molecular consequence: missense variant.
Genome position (GRCh38, 1-based): chr2:39,054,791, T>G on the plus strand (A>C on the coding strand, the complement: SOS1 is on the minus strand). VCF-style: chr2-39054791-T-G. GRCh37 (hg19) VCF-style: chr2-39281932-T-G.
Other names: c.522A>C, p.Glu174Asp (NM_001382394.1); c.543A>C, p.Glu181Asp (NM_001382395.1); short protein forms E174D, E181D.
Identifiers: ClinVar variation 1339073 (VCV001339073.2), dbSNP rs201068374, ClinGen allele CA1624765.

ClinVar aggregate classification (germline): Uncertain significance (1 of 4 stars; one submission).

Conditions:
Noonan syndrome 4 (NS4). Also called: NOONAN SYNDROME WITH PIGMENTED VILLONODULAR SYNOVITIS; SOS1-Related Noonan Syndrome. Identifiers: Orphanet 648, MedGen C1853120, MONDO:0012547, OMIM 610733.

gnomAD v4.1: 4 of 1,547,068 alleles (0.00026%); highest among the groups gnomAD compares: South Asian, 0.0045%; no homozygotes.

Submission:

Neuberg Centre For Genomic Medicine, NCGM
Classification: Uncertain significance for Noonan syndrome 4. Review status: criteria provided, single submitter. Criteria: ACMG Guidelines, 2015. Collection method: clinical testing. Allele origin: germline. Affected: yes.
Comment: The missense variant p.E181D in SOS1 (NM_005633.4) has not been reported previously as a pathogenic variant nor as a benign variant, to our knowledge. The missense variant c.543A>C (p.E181D) in SOS1 (NM_005633.4) is observed in 2/30578 (0.0065%) alleles from individuals of South Asian background in the gnomAD dataset (Exome Aggregation Consortium et al., 2016), but was not seen in the homozygous state. In silico tools predict the variant to be tolerated and the residue is weakly conserved across species. For these reasons, this variant has been classified as Uncertain Significance.